The following is an entry in ClinVar:

ClinVar aggregate classification (germline): Uncertain significance (1 of 4 stars; one submission).

Conditions:
Hypertrophic cardiomyopathy. Also called: HYPERTROPHIC MYOCARDIOPATHY. Identifiers: Orphanet 217569, MedGen C0007194, MeSH D002312, MONDO:0005045, HP:0001639.

gnomAD v4.1: 2 of 1,612,348 alleles (0.00012%); highest among the groups gnomAD compares: East Asian, 0.0022%; no homozygotes.

Submission:

Labcorp Genetics (formerly Invitae), Labcorp
Classification: Uncertain significance for Hypertrophic cardiomyopathy. Last evaluated: 2024-04-30. Review status: criteria provided, single submitter. Criteria: Invitae Variant Classification Sherloc (09022015). Collection method: clinical testing. Allele origin: germline.
Comment: This sequence change replaces serine, which is neutral and polar, with leucine, which is neutral and non-polar, at codon 142 of the MYOM1 protein (p.Ser142Leu). This variant is present in population databases (no rsID available, gnomAD 0.006%). This variant has not been reported in the literature in individuals affected with MYOM1-related conditions. An algorithm developed to predict the effect of missense changes on protein structure and function (PolyPhen-2) suggests that this variant is likely to be tolerated. In summary, the available evidence is currently insufficient to determine the role of this variant in disease. Therefore, it has been classified as a Variant of Uncertain Significance.

NM_003803.4(MYOM1):c.425C>T (p.Ser142Leu)

Gene: MYOM1 (myomesin 1; minus strand). Cytogenetic location: 18p11.31.
Variant type: single nucleotide variant.
Coding change: c.425C>T on transcript NM_003803.4 (MANE Select); coding-DNA position 425, C replaced by T.
Protein change: p.Ser142Leu; replaces serine 142 with leucine.
Molecular consequence: missense variant.
Genome position (GRCh38, 1-based): chr18:3,193,824, G>A on the plus strand (C>T on the coding strand, the complement: MYOM1 is on the minus strand). VCF-style: chr18-3193824-G-A. GRCh37 (hg19) VCF-style: chr18-3193822-G-A.
Other names: c.425C>T, p.Ser142Leu (NM_019856.2); short protein forms S142L.
Identifiers: ClinVar variation 3665656 (VCV003665656.2).
Genomic context (GRCh38, chr18:3,193,824, plus strand): 5'-GCACTTACTATATACTTCTTAAAAATTAAAGCCAGGAAGAAAAAGCACACTCACCGTCCT[G>A]AGAAAATGGGTACCATGTAGTCACTGGGCAAATTTTCTTTCTCTTCTCCAGACAGTAGGC-3'
Protein context (NP_003794.3, residues 132-152): LPSDYMVPIF[Ser142Leu]GRQKHVSGIT